The following is an entry in ClinVar:

ClinVar aggregate classification (germline): Uncertain significance (1 of 4 stars; one submission).

Conditions:
Deficiency of butyryl-CoA dehydrogenase (ACADSD). Also called: ACADS DEFICIENCY; Short-Chain Acyl-CoA Dehydrogenase Deficiency; SCADH DEFICIENCY; SCAD DEFICIENCY, MILD; ACYL-CoA DEHYDROGENASE, SHORT-CHAIN, DEFICIENCY OF; SCAD Deficiency. Identifiers: Orphanet 26792, MedGen C0342783, MONDO:0008722, OMIM 201470. Disease mechanism: May be benign.

Submission:

Labcorp Genetics (formerly Invitae), Labcorp
Classification: Uncertain significance for Deficiency of butyryl-CoA dehydrogenase. Last evaluated: 2024-11-10. Review status: criteria provided, single submitter. Criteria: Invitae Variant Classification Sherloc (09022015). Collection method: clinical testing. Allele origin: germline.
Comment: This sequence change replaces histidine, which is basic and polar, with leucine, which is neutral and non-polar, at codon 381 of the ACADS protein (p.His381Leu). This variant is not present in population databases (gnomAD no frequency). This variant has not been reported in the literature in individuals affected with ACADS-related conditions. Invitae Evidence Modeling of protein sequence and biophysical properties (such as structural, functional, and spatial information, amino acid conservation, physicochemical variation, residue mobility, and thermodynamic stability) has been performed for this missense variant. However, the output from this modeling did not meet the statistical confidence thresholds required to predict the impact of this variant on ACADS protein function. In summary, the available evidence is currently insufficient to determine the role of this variant in disease. Therefore, it has been classified as a Variant of Uncertain Significance.

NM_000017.4(ACADS):c.1142A>T (p.His381Leu)

Gene: ACADS (acyl-CoA dehydrogenase short chain; plus strand). Cytogenetic location: 12q24.31.
Variant type: single nucleotide variant.
Coding change: c.1142A>T on transcript NM_000017.4 (MANE Select); coding-DNA position 1142, A replaced by T.
Protein change: p.His381Leu; replaces histidine 381 with leucine.
Molecular consequence: missense variant.
Genome position (GRCh38, 1-based): chr12:120,739,351, A>T. VCF-style: chr12-120739351-A-T. GRCh37 (hg19) VCF-style: chr12-121177154-A-T.
Other names: c.1130A>T, p.His377Leu (NM_001302554.2); short protein forms H381L, H377L.
Identifiers: ClinVar variation 3664835 (VCV003664835.2).